The following is an entry in ClinVar:

ClinVar aggregate classification (germline): Likely benign (1 of 4 stars; one submission).

Allele frequency attached by ClinVar (database versions not stated): gnomAD exomes 0.00010; gnomAD 0.00135 and 0.00142; ESP Exome Variant Server 0.00139; TOPMed 0.00151; 1000 Genomes Project 30x 0.00172; 1000 Genomes Project 0.00180.
gnomAD v4.1: 351 of 1,605,622 alleles (0.022%); highest among the groups gnomAD compares: African/African-American, 0.43%; 1 homozygote.

Submission:

GeneDx
Classification: Likely benign. Last evaluated: 2017-08-04. Review status: criteria provided, single submitter. Criteria: GeneDx Variant Classification (06012015). Collection method: clinical testing. Allele origin: germline. Affected: yes.
Comment: This variant is considered likely benign or benign based on one or more of the following criteria: it is a conservative change, it occurs at a poorly conserved position in the protein, it is predicted to be benign by multiple in silico algorithms, and/or has population frequency not consistent with disease.

NM_024120.5(NDUFAF5):c.-17T>C

Genes: NDUFAF5 (NADH:ubiquinone oxidoreductase complex assembly factor 5; plus strand), LOC130065433 (ATAC-STARR-seq lymphoblastoid active region 17552; plus strand). Cytogenetic location: 20p12.1.
Variant type: single nucleotide variant.
Coding change: c.-17T>C on transcript NM_024120.5 (MANE Select); 17 bases upstream of the start codon, T replaced by C.
Molecular consequence: 5 prime UTR variant. On other transcripts: non-coding transcript variant (7).
Genome position (GRCh38, 1-based): chr20:13,785,052, T>C. VCF-style: chr20-13785052-T-C. GRCh37 (hg19) VCF-style: chr20-13765698-T-C.
Other names: c.-17T>C (NM_001039375.3, NM_001352408.2); c.-384T>C (NM_001352403.2); c.-598T>C (NM_001352406.2); c.-712T>C (NM_001352407.2).
Identifiers: ClinVar variation 506323 (VCV000506323.1), dbSNP rs116192508, ClinGen allele CA9767546.